The following is an entry in ClinVar:

NM_001195263.2(PDZD7):c.448G>A (p.Val150Ile)

Gene: PDZD7 (PDZ domain containing 7; minus strand). Cytogenetic location: 10q24.31.
Variant type: single nucleotide variant.
Coding change: c.448G>A on transcript NM_001195263.2 (MANE Select); coding-DNA position 448, G replaced by A.
Protein change: p.Val150Ile; replaces valine 150 with isoleucine.
Molecular consequence: missense variant.
Genome position (GRCh38, 1-based): chr10:101,023,530, C>T on the plus strand (G>A on the coding strand, the complement: PDZD7 is on the minus strand). VCF-style: chr10-101023530-C-T. GRCh37 (hg19) VCF-style: chr10-102783287-C-T.
Other names: c.448G>A, p.Val150Ile (NM_001351044.2, NM_024895.5); short protein forms V150I.
Identifiers: ClinVar variation 860972 (VCV000860972.9), dbSNP rs770149702, ClinGen allele CA5654381.

ClinVar aggregate classification (germline): Uncertain significance. Review status: criteria provided, multiple submitters, no conflicts (2 of 4 stars). 3 submissions from 3 submitters: Uncertain significance (3). Last evaluated 2024-05-30.

Conditions:
Inborn genetic diseases. Identifiers: MedGen C0950123, MeSH D030342.

Allele frequency attached by ClinVar (database versions not stated): gnomAD exomes 0.00002 and 0.00006; TOPMed 0.00002; ExAC 0.00003; gnomAD 0.00005.
gnomAD v4.1: 44 of 1,613,974 alleles (0.0027%); highest among the groups gnomAD compares: South Asian, 0.015%; no homozygotes.

Submissions (3):

Labcorp Genetics (formerly Invitae), Labcorp
Classification: Uncertain significance. Last evaluated: 2024-05-30. Review status: criteria provided, single submitter. Criteria: Invitae Variant Classification Sherloc (09022015). Collection method: clinical testing. Allele origin: germline.
Comment: This sequence change replaces valine, which is neutral and non-polar, with isoleucine, which is neutral and non-polar, at codon 150 of the PDZD7 protein (p.Val150Ile). This variant is present in population databases (rs770149702, gnomAD 0.03%). This variant has not been reported in the literature in individuals affected with PDZD7-related conditions. ClinVar contains an entry for this variant (Variation ID: 860972). Advanced modeling of protein sequence and biophysical properties (such as structural, functional, and spatial information, amino acid conservation, physicochemical variation, residue mobility, and thermodynamic stability) performed at Invitae indicates that this missense variant is not expected to disrupt PDZD7 protein function with a negative predictive value of 80%. In summary, the available evidence is currently insufficient to determine the role of this variant in disease. Therefore, it has been classified as a Variant of Uncertain Significance.

Ambry Genetics
Classification: Uncertain significance for Inborn genetic diseases. Last evaluated: 2024-04-15. Review status: criteria provided, single submitter. Criteria: Ambry Variant Classification Scheme 2023. Collection method: clinical testing. Allele origin: germline.

Blueprint Genetics
Classification: Uncertain significance. Last evaluated: 2022-06-15. Review status: criteria provided, single submitter. Criteria: ACMG Guidelines, 2015. Collection method: clinical testing. Allele origin: germline.